The following is an entry in ClinVar:

NM_000334.4(SCN4A):c.1868C>T (p.Ala623Val)

Gene: SCN4A (sodium voltage-gated channel alpha subunit 4; minus strand). Cytogenetic location: 17q23.3.
Variant type: single nucleotide variant.
Coding change: c.1868C>T on transcript NM_000334.4 (MANE Select); coding-DNA position 1868, C replaced by T.
Protein change: p.Ala623Val; replaces alanine 623 with valine.
Molecular consequence: missense variant.
Genome position (GRCh38, 1-based): chr17:63,959,416, G>A on the plus strand (C>T on the coding strand, the complement: SCN4A is on the minus strand). VCF-style: chr17-63959416-G-A. GRCh37 (hg19) VCF-style: chr17-62036776-G-A.
Other names: short protein forms A623V.
Identifiers: ClinVar variation 3019674 (VCV003019674.3), dbSNP rs2509308203, ClinGen allele CA400632569.

ClinVar aggregate classification (germline): Uncertain significance (1 of 4 stars; one submission).

Conditions:
Hyperkalemic periodic paralysis. Also called: Familial hyperkalemic periodic paralysis; Gamstorp disease. Identifiers: Orphanet 682, MedGen C0238357, MONDO:0008224, OMIM 170500, HP:0007215.

Submission:

Labcorp Genetics (formerly Invitae), Labcorp
Classification: Uncertain significance for Hyperkalemic periodic paralysis. Last evaluated: 2023-06-14. Review status: criteria provided, single submitter. Criteria: Invitae Variant Classification Sherloc (09022015). Collection method: clinical testing. Allele origin: germline.
Comment: This sequence change replaces alanine, which is neutral and non-polar, with valine, which is neutral and non-polar, at codon 623 of the SCN4A protein (p.Ala623Val). This variant is not present in population databases (gnomAD no frequency). This variant has not been reported in the literature in individuals affected with SCN4A-related conditions. Advanced modeling of protein sequence and biophysical properties (such as structural, functional, and spatial information, amino acid conservation, physicochemical variation, residue mobility, and thermodynamic stability) has been performed at Invitae for this missense variant, however the output from this modeling did not meet the statistical confidence thresholds required to predict the impact of this variant on SCN4A protein function. In summary, the available evidence is currently insufficient to determine the role of this variant in disease. Therefore, it has been classified as a Variant of Uncertain Significance.